The following is an entry in ClinVar:

ClinVar aggregate classification (germline): Uncertain significance (1 of 4 stars; one submission).

Conditions:
Hereditary cancer-predisposing syndrome. Also called: Neoplastic Syndromes, Hereditary; Tumor predisposition; Hereditary Cancer Syndrome; Hereditary neoplastic syndrome. Identifiers: Orphanet 140162, MedGen C0027672, MeSH D009386, MONDO:0015356.

Submission:

Ambry Genetics
Classification: Uncertain significance for Hereditary cancer-predisposing syndrome. Last evaluated: 2026-02-18. Review status: criteria provided, single submitter. Criteria: Ambry Variant Classification Scheme 2023. Collection method: clinical testing. Allele origin: germline.
Comment: The c.4344dupT variant, located in coding exon 34 of the POLE gene, results from a duplication of T at nucleotide position 4344, causing a translational frameshift with a predicted alternate stop codon (p.K1449*). This alteration is expected to result in loss of function by premature protein truncation or nonsense-mediated mRNA decay. Although biallelic loss of function of POLE has been associated with autosomal recessive POLE deficiency, haploinsufficiency of POLE has not been established as a mechanism of disease for POLE-related polymerase proofreading-associated polyposis (PPAP) and POLE-related CMMRD-like syndrome. Based on the supporting evidence, this variant is expected to be causative of POLE deficiency when present along with a second pathogenic variant on the other allele; however, its clinical significance for PPAP and POLE-related CMMRD-like syndrome is (unclear).

NM_006231.4(POLE):c.4344dup (p.Lys1449Ter)

Gene: POLE (DNA polymerase epsilon, catalytic subunit; minus strand). Cytogenetic location: 12q24.33.
Variant type: Duplication.
Coding change: c.4344dup on transcript NM_006231.4 (MANE Select); coding-DNA position 4344, one base duplicated (T; older notation c.4344dupT).
Protein change: p.Lys1449Ter; replaces lysine 1449 with a stop codon.
Molecular consequence: nonsense.
Genome position (GRCh38, 1-based): chr12:132,643,507, A duplicated on the plus strand (T on the coding strand, the reverse complement: POLE is on the minus strand). VCF-style (leftmost placement, unchanged base first): chr12-132643506-T-TA. GRCh37 (hg19) VCF-style: chr12-133220092-T-TA.
Other names: short protein forms K1449*.
Identifiers: ClinVar variation 4844279 (VCV004844279.1).
Genomic context (GRCh38, chr12:132,643,506, plus strand): 5'-CCAGGTGCTCAAGAGCAAAGGTCTCTGCTTCCCAGCCTGAAAGGTGCCTCACCAGCTGTT[T>TA]ATTGACCACACACACACAGCCCAGGTGCACCAGGGCCCGGAACAGTAACGGAACCTGGAA-3'